The following is an entry in ClinVar:

ClinVar aggregate classification (germline): Benign. Review status: criteria provided, multiple submitters, no conflicts (2 of 4 stars). 2 submissions from 2 submitters: Benign (2). Last evaluated 2022-09-01.

Submissions (2):

CeGaT Center for Human Genetics Tuebingen
Classification: Benign. Last evaluated: 2022-09-01. Review status: criteria provided, single submitter. Criteria: CeGaT Center For Human Genetics Tuebingen Variant Classification Criteria Version 2. Collection method: clinical testing. Allele origin: germline. Affected: yes. Observed: 13 variant alleles.
Comment: CERT1: BS1, BS2

Breakthrough Genomics
Classification: Benign. Review status: criteria provided, single submitter. Criteria: ACMG Guidelines, 2015. Collection method: not provided. Allele origin: germline. Inheritance: Autosomal dominant inheritance. Affected: yes.

NM_005713.3(CERT1):c.*10-7C>T

Gene: CERT1 (ceramide transporter 1; minus strand). Cytogenetic location: 5q13.3.
Variant type: single nucleotide variant.
Coding change: c.*10-7C>T on transcript NM_005713.3; 7 bases into the intron before 10 bases downstream of the stop codon, C replaced by T.
Molecular consequence: intron variant.
Genome position (GRCh38, 1-based): chr5:75,374,198, G>A on the plus strand (C>T on the coding strand, the complement: CERT1 is on the minus strand). VCF-style: chr5-75374198-G-A. GRCh37 (hg19) VCF-style: chr5-74670023-G-A.
Other names: c.*9+5139C>T (NM_001379003.1, NM_001379002.1); c.*10-7C>T (NM_031361.3, NM_001130105.1); c.1670-7C>T (NM_001379004.1).
Identifiers: ClinVar variation 1675987 (VCV001675987.33), dbSNP rs1233679911, ClinGen allele CA560457011.